The following is an entry in ClinVar:

ClinVar aggregate classification (germline): Uncertain significance (1 of 4 stars; one submission).

Conditions:
Inborn genetic diseases. Identifiers: MedGen C0950123, MeSH D030342.

Submission:

Ambry Genetics
Classification: Uncertain significance for Inborn genetic diseases. Last evaluated: 2025-05-26. Review status: criteria provided, single submitter. Criteria: Ambry Variant Classification Scheme 2023. Collection method: clinical testing. Allele origin: germline.
Comment: The p.E994V variant (also known as c.2981A>T), located in coding exon 1 of the SAMD9 gene, results from an A to T substitution at nucleotide position 2981. The glutamic acid at codon 994 is replaced by valine, an amino acid with dissimilar properties. This amino acid position is conserved. In addition, this alteration is predicted to be tolerated by in silico analysis. Based on the available evidence, the clinical significance of this variant remains unclear.

NM_017654.4(SAMD9):c.2981A>T (p.Glu994Val)

Gene: SAMD9 (sterile alpha motif domain containing 9; minus strand). Cytogenetic location: 7q21.2.
Variant type: single nucleotide variant.
Coding change: c.2981A>T on transcript NM_017654.4 (MANE Select); coding-DNA position 2981, A replaced by T.
Protein change: p.Glu994Val; replaces glutamic acid 994 with valine.
Molecular consequence: missense variant.
Genome position (GRCh38, 1-based): chr7:93,103,117, T>A on the plus strand (A>T on the coding strand, the complement: SAMD9 is on the minus strand). VCF-style: chr7-93103117-T-A. GRCh37 (hg19) VCF-style: chr7-92732430-T-A.
Other names: c.2981A>T, p.Glu994Val (NM_001193307.2); short protein forms E994V.
Identifiers: ClinVar variation 3949675 (VCV003949675.1).